The following is an entry in ClinVar:

ClinVar aggregate classification (germline): Benign. Review status: criteria provided, multiple submitters, no conflicts (2 of 4 stars). 2 submissions from 2 submitters: Benign (2). Last evaluated 2020-07-21.

Allele frequency attached by ClinVar (database versions not stated): gnomAD 0.10255; TOPMed 0.11353; 1000 Genomes Project 30x 0.17848; 1000 Genomes Project 0.18690.
gnomAD v4.1: 26,555 of 233,320 alleles (11%); highest among the groups gnomAD compares: East Asian, 43%; 2,482 homozygotes.

Submissions (2):

GeneDx
Classification: Benign. Last evaluated: 2020-07-21. Review status: criteria provided, single submitter. Criteria: GeneDx Variant Classification Process June 2021. Collection method: clinical testing. Allele origin: germline. Affected: yes.
Comment: This variant is associated with the following publications: (PMID: 25925667, 30470824, 23028094)

Breakthrough Genomics
Classification: Benign. Review status: criteria provided, single submitter. Criteria: ACMG Guidelines, 2015. Collection method: not provided. Allele origin: germline. Inheritance: Autosomal recessive inheritance. Affected: yes.

NM_005228.5(EGFR):c.*774T>C

Gene: EGFR (epidermal growth factor receptor; plus strand). Cytogenetic location: 7p11.2.
Variant type: single nucleotide variant.
Coding change: c.*774T>C on transcript NM_005228.5 (MANE Select); 774 bases downstream of the stop codon, T replaced by C.
Molecular consequence: 3 prime UTR variant.
Genome position (GRCh38, 1-based): chr7:55,206,391, T>C. VCF-style: chr7-55206391-T-C. GRCh37 (hg19) VCF-style: chr7-55274084-T-C.
Other names: c.*774T>C (NM_001346899.2, NM_001346900.2, NM_001346941.2).
Identifiers: ClinVar variation 1253347 (VCV001253347.3), dbSNP rs884225, ClinGen allele CA10626251.
Genomic context (GRCh38, chr7:55,206,391, plus strand): 5'-GTCATGAGCGTTAGACTGACTTGTTTGTCTTCCATTCCATTGTTTTGAAACTCAGTATGC[T>C]GCCCCTGTCTTGCTGTCATGAAATCAGCAAGAGAGGATGACACATCAAATAATAACTCGG-3'